The following is an entry in ClinVar:

ClinVar aggregate classification (germline): Uncertain significance (1 of 4 stars; one submission).

Conditions:
Autosomal recessive congenital ichthyosis 2 (ARCI2). Identifiers: Orphanet 281122, Orphanet 79394, MedGen C3888093, MONDO:0009439, OMIM 242100.

Allele frequency attached by ClinVar (database versions not stated): gnomAD exomes below 0.00001.
gnomAD v4.1: 1 of 1,613,488 alleles (0.000062%); highest among the groups gnomAD compares: Admixed American, 0.0017%; no homozygotes.

Submission:

Institute of Human Genetics, University of Leipzig Medical Center
Classification: Uncertain significance for Autosomal recessive congenital ichthyosis 2. Last evaluated: 2020-09-04. Review status: criteria provided, single submitter. Criteria: ACMG Guidelines, 2015. Collection method: clinical testing. Allele origin: unknown. Affected: yes.
Comment: This variant was identified as compound heterozygous with NM_001139.2:c.1272dup.

NM_001139.3(ALOX12B):c.1144A>G (p.Lys382Glu)

Gene: ALOX12B (arachidonate 12-lipoxygenase, 12R type; minus strand). Cytogenetic location: 17p13.1.
Variant type: single nucleotide variant.
Coding change: c.1144A>G on transcript NM_001139.3 (MANE Select); coding-DNA position 1144, A replaced by G.
Protein change: p.Lys382Glu; replaces lysine 382 with glutamic acid.
Molecular consequence: missense variant.
Genome position (GRCh38, 1-based): chr17:8,077,121, T>C on the plus strand (A>G on the coding strand, the complement: ALOX12B is on the minus strand). VCF-style: chr17-8077121-T-C. GRCh37 (hg19) VCF-style: chr17-7980439-T-C.
Other names: short protein forms K382E.
Identifiers: ClinVar variation 1285482 (VCV001285482.1), dbSNP rs1567981916, ClinGen allele CA397992229.